The following is an entry in ClinVar:

NM_015166.4(MLC1):c.714+1G>A

Gene: MLC1 (modulator of VRAC current 1; minus strand). Cytogenetic location: 22q13.33.
Variant type: single nucleotide variant.
Coding change: c.714+1G>A on transcript NM_015166.4 (MANE Select); the canonical splice donor site of the intron after coding-DNA position 714, G replaced by A.
Molecular consequence: splice donor variant.
Genome position (GRCh38, 1-based): chr22:50,074,215, C>T on the plus strand (G>A on the coding strand, the complement: MLC1 is on the minus strand). VCF-style: chr22-50074215-C-T. GRCh37 (hg19) VCF-style: chr22-50512644-C-T.
Other names: c.714+1G>A (NM_001376474.1, NM_001376475.1, NM_001376476.1 and 6 more transcripts); c.477+1G>A (NM_001376484.1); c.624+1G>A (NM_001376480.1); c.558+1G>A (NM_001376482.1, NM_001376483.1); c.612+1G>A (NM_001376481.1).
Identifiers: ClinVar variation 188980 (VCV000188980.12), dbSNP rs761620701, ClinGen allele CA274211.
Genomic context (GRCh38, chr22:50,074,215, plus strand): 5'-CACGCAGGATCTGAGCAGTGTGGCCCAGAGCGGCGGCGGGCGGGCCAGAGGGGTTACTCA[C>T]GGCCACTAGGATCCAAAAGAACGTCACTGAGAGGTGTGGGCCTGAAACTGAGTCATCCAC-3'

ClinVar aggregate classification (germline): Pathogenic/Likely pathogenic. Review status: criteria provided, multiple submitters, no conflicts (2 of 4 stars). 5 submissions from 5 submitters: Pathogenic (3); Likely pathogenic (1). 1 of the submissions does not count toward it. Last evaluated 2025-11-25.

Conditions:
Megalencephalic leukoencephalopathy with subcortical cysts. Also called: VAN DER KNAAP DISEASE. Identifiers: Orphanet 2478, MedGen C1858854, MONDO:0011391.
Megalencephalic leukoencephalopathy with subcortical cysts 1 (MLC1). Also called: LEUKOENCEPHALOPATHY WITH SWELLING AND CYSTS; VACUOLATING MEGALENCEPHALIC LEUKOENCEPHALOPATHY WITH SUBCORTICAL CYSTS. Identifiers: Orphanet 2478, MedGen C5779875, MONDO:0024555, OMIM 604004.

Allele frequency attached by ClinVar (database versions not stated): gnomAD 0.00001; gnomAD exomes 0.00001 and 0.00003; TOPMed 0.00002; ExAC 0.00003.
gnomAD v4.1: 18 of 1,610,832 alleles (0.0011%); highest among the groups gnomAD compares: East Asian, 0.0067%; no homozygotes.

Submissions (5):

Natera, Inc.
Classification: Likely pathogenic for Megalencephalic leukoencephalopathy with subcortical cysts. Last evaluated: 2025-11-25. Review status: criteria provided, single submitter. Criteria: Natera Variant Classification Schema (03/2026). Collection method: clinical testing. Allele origin: germline.
Comment: The c.714+1G>A variant in MLC1 is a canonical splice donor site variant predicted to affect pre-mRNA splicing, which may result in an abnormal transcript and altered protein product. This variant is expected to result in nonsense mediated decay, truncation, or a dysfunctional protein product. This variant is rare in the general population with a frequency below the threshold expected for the associated phenotype(s). Given the available evidence, this variant is classified as Likely Pathogenic.

Labcorp Genetics (formerly Invitae), Labcorp
Classification: Pathogenic. Last evaluated: 2024-12-02. Review status: criteria provided, single submitter. Criteria: Invitae Variant Classification Sherloc (09022015). Collection method: clinical testing. Allele origin: germline.
Comment: This sequence change affects a donor splice site in intron 8 of the MLC1 gene. RNA analysis indicates that disruption of this splice site induces altered splicing and likely results in a shortened protein product. This variant is present in population databases (rs761620701, gnomAD 0.02%). Disruption of this splice site has been observed in individual(s) with megalencephalic leukoencephalopathy with subcortical cysts (PMID: 16652334). ClinVar contains an entry for this variant (Variation ID: 188980). Studies have shown that disruption of this splice site results in skipping of 9, but is expected to preserve the integrity of the reading-frame (PMID: 16652334). This variant disrupts a region of the MLC1 protein in which other variant(s) (p.Gly212Arg) have been determined to be pathogenic (PMID: 11254442, 21145992, 27322623). This suggests that this is a clinically significant region of the protein, and that variants that disrupt it are likely to be disease-causing. For these reasons, this variant has been classified as Pathogenic.

Baylor Genetics
Classification: Pathogenic for Megalencephalic leukoencephalopathy with subcortical cysts 1. Last evaluated: 2023-05-15. Review status: criteria provided, single submitter. Criteria: ACMG Guidelines, 2015. Collection method: clinical testing. Allele origin: unknown.

Kasturba Medical College, Manipal, Kasturba Medical College, Manipal, Manipal Academy of Higher Education, Manipal, India
Classification: Pathogenic for Megalencephalic leukoencephalopathy with subcortical cysts 1. Review status: criteria provided, single submitter. Criteria: ACMG Guidelines, 2015. Collection method: research. Allele origin: biparental. Inheritance: Autosomal recessive inheritance. Affected: yes. Observed: 1 homozygote.
Comment: This variant is noted in 18 individuals in heterozygous state (allele frequency: 0.00001117) in gnomAD database (v4.1.0) and absent in our in-house data of 3801 exomes. This canonical splice site variant is likely to cause aberrant splicing and lead to either the formation of a truncated protein or the transcript may undergo nonsense mediated mRNA decay.

Counsyl
Classification: Likely pathogenic for Megalencephalic leukoencephalopathy with subcortical cysts 1. Last evaluated: 2014-09-24. Review status: no assertion criteria provided. Collection method: literature only. Allele origin: unknown. Inheritance: Autosomal recessive inheritance. Not counted in ClinVar's aggregate classification.

Literature cited by the submitters: PubMed 16652334 (cited by 3 submitters); PubMed 11254442 (cited by Labcorp Genetics (formerly Invitae), Labcorp and Kasturba Medical College, Manipal, Kasturba Medical College, Manipal, Manipal Academy of Higher Education, Manipal, India); PubMed 21145992 (cited by Labcorp Genetics (formerly Invitae), Labcorp and Kasturba Medical College, Manipal, Kasturba Medical College, Manipal, Manipal Academy of Higher Education, Manipal, India); PubMed 27322623 (cited by Labcorp Genetics (formerly Invitae), Labcorp).